The following is an entry in ClinVar:

NM_025074.7(FRAS1):c.808C>T (p.Arg270Cys)

Gene: FRAS1 (Fraser extracellular matrix complex subunit 1; plus strand). Cytogenetic location: 4q21.21.
Variant type: single nucleotide variant.
Coding change: c.808C>T on transcript NM_025074.7 (MANE Select); coding-DNA position 808, C replaced by T.
Protein change: p.Arg270Cys; replaces arginine 270 with cysteine.
Molecular consequence: missense variant.
Genome position (GRCh38, 1-based): chr4:78,267,259, C>T. VCF-style: chr4-78267259-C-T. GRCh37 (hg19) VCF-style: chr4-79188413-C-T.
Other names: c.808C>T, p.Arg270Cys (NM_001166133.2); short protein forms R270C.
Identifiers: ClinVar variation 593858 (VCV000593858.10), dbSNP rs773283272, ClinGen allele CA2976092.

ClinVar aggregate classification (germline): Uncertain significance. Review status: criteria provided, multiple submitters, no conflicts (2 of 4 stars). 4 submissions from 4 submitters: Uncertain significance (3). 1 of the submissions does not count toward it. Last evaluated 2024-04-29.

Conditions:
Fraser syndrome 1 (FRASRS1). Also called: CRYPTOPHTHALMOS WITH OTHER MALFORMATIONS. Identifiers: Orphanet 2052, MedGen C4551480, MONDO:0054737, OMIM 219000.

Allele frequency attached by ClinVar (database versions not stated): ExAC 0.00002; gnomAD exomes 0.00002 and 0.00005; gnomAD 0.00005; TOPMed 0.00005.
gnomAD v4.1: 36 of 1,613,472 alleles (0.0022%); highest among the groups gnomAD compares: Admixed American, 0.02%; no homozygotes.

Submissions (4):

Labcorp Genetics (formerly Invitae), Labcorp
Classification: Uncertain significance. Last evaluated: 2024-04-29. Review status: criteria provided, single submitter. Criteria: Invitae Variant Classification Sherloc (09022015). Collection method: clinical testing. Allele origin: germline.
Comment: This sequence change replaces arginine, which is basic and polar, with cysteine, which is neutral and slightly polar, at codon 270 of the FRAS1 protein (p.Arg270Cys). This variant is present in population databases (rs773283272, gnomAD 0.03%). This variant has not been reported in the literature in individuals affected with FRAS1-related conditions. ClinVar contains an entry for this variant (Variation ID: 593858). An algorithm developed to predict the effect of missense changes on protein structure and function (PolyPhen-2) suggests that this variant is likely to be disruptive. In summary, the available evidence is currently insufficient to determine the role of this variant in disease. Therefore, it has been classified as a Variant of Uncertain Significance.

Fulgent Genetics
Classification: Uncertain significance for Fraser syndrome 1. Last evaluated: 2022-03-30. Review status: criteria provided, single submitter. Criteria: ACMG Guidelines, 2015. Collection method: clinical testing. Allele origin: unknown.

Eurofins Ntd Llc (ga)
Classification: Uncertain significance. Last evaluated: 2017-09-18. Review status: criteria provided, single submitter. Criteria: EGL Classification Definitions 2015. Collection method: clinical testing. Allele origin: germline. Observed: 1 variant allele, 1 heterozygote.

Department of Pathology and Laboratory Medicine, Sinai Health System
Classification: Uncertain significance. Review status: no assertion criteria provided. Collection method: clinical testing. Allele origin: unknown. Affected: yes. Study: The Canadian Open Genetics Repository (COGR). Not counted in ClinVar's aggregate classification.
Comment: The FRAS1 p.Arg270Cys variant was not identified in the literature nor was it identified in LOVD 3.0. The variant was identified in dbSNP (ID: rs773283272) with clinical significance as "NA", ClinVar (classified as a VUS by EGL Genetic Diagnostics, Eurofins Clinical Diagnostics) and Cosmic (predicted pathogenic by FATHMM). The variant was identified in control databases in 13 of 279926 chromosomes at a frequency of 0.000046 (Genome Aggregation Database Feb 27, 2017). The variant was observed in the following populations: Latino in 9 of 35276 chromosomes (freq: 0.000255), South Asian in 3 of 30428 chromosomes (freq: 0.000099) and European (non-Finnish) in 1 of 128148 chromosomes (freq: 0.000008), but was not observed in African, Ashkenazi Jewish, East Asian, European (Finnish), and Other populations. The c.808C>T variant occurs outside of the splicing consensus sequence and in silico or computational prediction software programs (SpliceSiteFinder, MaxEntScan, NNSPLICE, GeneSplicer) do not predict a difference in splicing. Although the p.Arg270 residue is not conserved in mammals and other organisms, four of five computational analyses (PolyPhen-2, SIFT, BLOSUM, MutationTaster) suggest that the variant may impact the protein. According to the list of FRAS1 variants in Clinvar, it is primarily truncating variants that are known to cause disease. However, this information is not enough to rule out pathogenicity. In summary, based on the above information the clinical significance of this variant cannot be determined with certainty at this time. This variant is classified as a variant of uncertain significance.